The following is an entry in ClinVar:

ClinVar aggregate classification (germline): Uncertain significance (1 of 4 stars; one submission).

Conditions:
Hereditary cancer-predisposing syndrome. Also called: Hereditary Cancer Syndrome; Hereditary neoplastic syndrome; Neoplastic Syndromes, Hereditary; Tumor predisposition. Identifiers: Orphanet 140162, MedGen C0027672, MeSH D009386, MONDO:0015356.

Submission:

Ambry Genetics
Classification: Uncertain significance for Hereditary cancer-predisposing syndrome. Last evaluated: 2021-08-20. Review status: criteria provided, single submitter. Criteria: Ambry Variant Classification Scheme 2023. Collection method: clinical testing. Allele origin: germline.
Comment: The p.N43I variant (also known as c.128A>T), located in coding exon 3 of the SDHC gene, results from an A to T substitution at nucleotide position 128. The asparagine at codon 43 is replaced by isoleucine, an amino acid with dissimilar properties. This amino acid position is not well conserved in available vertebrate species. In addition, the in silico prediction for this alteration is inconclusive. Since supporting evidence is limited at this time, the clinical significance of this alteration remains unclear.

NM_003001.5(SDHC):c.128A>T (p.Asn43Ile)

Gene: SDHC (succinate dehydrogenase complex subunit C; plus strand). Cytogenetic location: 1q23.3.
Variant type: single nucleotide variant.
Coding change: c.128A>T on transcript NM_003001.5 (MANE Select); coding-DNA position 128, A replaced by T.
Protein change: p.Asn43Ile; replaces asparagine 43 with isoleucine.
Molecular consequence: missense variant. On other transcripts: non-coding transcript variant (1), intron variant (4).
Genome position (GRCh38, 1-based): chr1:161,328,446, A>T. VCF-style: chr1-161328446-A-T. GRCh37 (hg19) VCF-style: chr1-161298236-A-T.
Other names: c.128A>T, p.Asn43Ile (NM_001035511.3, NM_001407115.1); c.71A>T, p.Asn24Ile (NM_001407116.1, NM_001407117.1, NM_001407121.1); c.17A>T, p.Asn6Ile (NM_001407119.1, NM_001407120.1); c.77+4776A>T (NM_001035512.3, NM_001278172.3, NM_001407118.1); c.21-12148A>T (NM_001035513.3); short protein forms N24I, N6I, N43I.
Identifiers: ClinVar variation 1769052 (VCV001769052.2), dbSNP rs747349777, ClinGen allele CA343361108.